The following is an entry in ClinVar:

ClinVar aggregate classification (germline): Pathogenic. Review status: reviewed by expert panel (3 of 4 stars). 7 submissions from 7 submitters: Pathogenic (1). 6 of the submissions do not count toward it. Last evaluated 2016-09-08.

Conditions:
Hereditary cancer-predisposing syndrome. Also called: Neoplastic Syndromes, Hereditary; Hereditary Cancer Syndrome; Hereditary neoplastic syndrome; Tumor predisposition. Identifiers: Orphanet 140162, MedGen C0027672, MeSH D009386, MONDO:0015356.
Hereditary breast ovarian cancer syndrome. Also called: Hereditary breast and ovarian cancer syndrome; Hereditary breast and/or ovarian cancer syndrome; BRCA1- and BRCA2-Associated Hereditary Breast and Ovarian Cancer; Hereditary breast and ovarian cancer; Breast and ovarian cancer; Hereditary breast and ovarian cancer syndrome (HBOC). Identifiers: Orphanet 145, MedGen C0677776, MeSH D061325, MONDO:0003582. Disease mechanism: loss of function.
Breast-ovarian cancer, familial, susceptibility to, 2 (BROVCA2). Also called: BRCA2 Hereditary Breast and Ovarian Cancer. Identifiers: Orphanet 145, MedGen C2675520, MONDO:0012933, OMIM 612555. Disease mechanism: loss of function.
Malignant tumor of breast. Also called: Malignant breast neoplasm; Cancer breast. Identifiers: MedGen C0006142, MONDO:0007254. Disease mechanism: loss of function.

Submissions (7):

Evidence-based Network for the Interpretation of Germline Mutant Alleles (ENIGMA)
Classification: Pathogenic for Breast-ovarian cancer, familial, susceptibility to, 2. Last evaluated: 2016-09-08. Review status: reviewed by expert panel. Criteria: ENIGMA BRCA1/2 Classification Criteria (2015). Collection method: curation. Allele origin: germline.
Comment: Variant allele predicted to encode a truncated non-functional protein.

Institute for Genomic Medicine (IGM) Clinical Laboratory, Nationwide Children's Hospital
Classification: Pathogenic for Hereditary cancer-predisposing syndrome. Last evaluated: 2025-08-26. Review status: criteria provided, single submitter. Criteria: ACMG Guidelines, 2015. Collection method: clinical testing. Allele origin: germline. Not counted in ClinVar's aggregate classification.
Comment: This variant is predicted to result in loss of function through nonsense-mediated decay of the encoded transcript or premature truncation of the encoded protein in a gene in which loss of function is a known mechanism of disease (ACMG/AMP: PVS1). This variant is absent from or present at an exceedingly low frequency in gnomAD, a large-scale control population database (ACMG/AMP: PM2). This variant was reported as a pathogenic/likely pathogenic alteration by a reputable source (ClinVar or other correspondence from a clinical testing laboratory) (ACMG/AMP: PP5).

Ambry Genetics
Classification: Pathogenic for Hereditary cancer-predisposing syndrome. Last evaluated: 2024-03-12. Review status: criteria provided, single submitter. Criteria: Ambry Variant Classification Scheme 2023. Collection method: clinical testing. Allele origin: germline. Not counted in ClinVar's aggregate classification.
Comment: The c.5557delT pathogenic mutation, located in coding exon 10 of the BRCA2 gene, results from a deletion of one nucleotide at nucleotide position 5557, causing a translational frameshift with a predicted alternate stop codon (p.C1853Vfs*10). This alteration is expected to result in loss of function by premature protein truncation or nonsense-mediated mRNA decay. As such, this alteration is interpreted as a disease-causing mutation.

Labcorp Genetics (formerly Invitae), Labcorp
Classification: Pathogenic for Hereditary breast ovarian cancer syndrome. Last evaluated: 2023-07-26. Review status: criteria provided, single submitter. Criteria: Invitae Variant Classification Sherloc (09022015). Collection method: clinical testing. Allele origin: germline. Not counted in ClinVar's aggregate classification.
Comment: For these reasons, this variant has been classified as Pathogenic. ClinVar contains an entry for this variant (Variation ID: 141788). This premature translational stop signal has been observed in individual(s) with increased risk of breast and/or ovarian cancer (PMID: 29446198). This variant is not present in population databases (gnomAD no frequency). This sequence change creates a premature translational stop signal (p.Cys1853Valfs*10) in the BRCA2 gene. It is expected to result in an absent or disrupted protein product. Loss-of-function variants in BRCA2 are known to be pathogenic (PMID: 20104584).

Consortium of Investigators of Modifiers of BRCA1/2 (CIMBA), c/o University of Cambridge
Classification: Pathogenic for Breast-ovarian cancer, familial, susceptibility to, 2. Last evaluated: 2015-10-02. Review status: criteria provided, single submitter. Criteria: CIMBA Mutation Classification guidelines May 2016. Collection method: clinical testing. Allele origin: germline. Not counted in ClinVar's aggregate classification.

Research Molecular Genetics Laboratory, Women's College Hospital, University of Toronto
Classification: Pathogenic for Hereditary breast ovarian cancer syndrome. Last evaluated: 2014-01-31. Review status: no assertion criteria provided. Collection method: research. Allele origin: germline. Affected: yes. Study: The Canadian Open Genetics Repository (COGR). Not counted in ClinVar's aggregate classification.

Department of Pathology and Laboratory Medicine, Sinai Health System
Classification: Pathogenic for Malignant tumor of breast. Review status: no assertion criteria provided. Collection method: clinical testing. Allele origin: unknown. Affected: yes. Study: The Canadian Open Genetics Repository (COGR). Not counted in ClinVar's aggregate classification.
Comment: The BRCA2 p.Cys1853ValfsX10 variant was not identified in the literature nor was it identified in the NHLBI Exome Sequencing Project, the Exome Aggregation Consortium, the 1000 Genomes Project, the LOVD-IARC database, ARUP Laboratories BRCA Mutations Database, COSMIC, GeneInsight COGR database, the BIC database, UMD and Fanconi Anemia Mutation Database (LOVD).The variant was identified in dbSNP (ID: rs587782011) as â€šÃ„ÃºWith Pathogenic alleleâ€šÃ„Ã¹, Clinvitae database (classified as pathogenic by ClinVar), the ClinVar database (classified as pathogenic by Ambry Genetics). The c.5557delT variant is predicted to cause a frameshift, which alters the protein's amino acid sequence beginning at codon 1853 and leads to a premature stop codon 10 codons downstream. This alteration is then predicted to result in a truncated or absent protein and loss of function. Loss of function variants of the BRCA2 gene are an established mechanism of disease in hereditary breast and ovarian cancer and is the type of variant expected to cause the disorder. In summary, based on the above information, this variant meets our laboratoryâ€šÃ„Ã´s criteria to be classified as pathogenic.

Literature cited by the submitters: PubMed 29446198 (cited by Labcorp Genetics (formerly Invitae), Labcorp); PubMed 20104584 (cited by Labcorp Genetics (formerly Invitae), Labcorp).

NM_000059.4(BRCA2):c.5557del (p.Cys1853fs)

Gene: BRCA2 (BRCA2 DNA repair associated; plus strand). Cytogenetic location: 13q13.1.
Variant type: Deletion.
Coding change: c.5557del on transcript NM_000059.4 (MANE Select); coding-DNA position 5557, one base deleted (T; older notation c.5557delT).
Protein change: p.Cys1853fs; shifts the reading frame from cysteine 1853.
Molecular consequence: frameshift variant.
Genome position (GRCh38, 1-based): chr13:32,339,912, T deleted; the last of 3 consecutive T bases (chr13:32,339,910-32,339,912); deleting any one gives the same sequence. VCF-style (leftmost placement, unchanged base first): chr13-32339909-GT-G. GRCh37 (hg19) VCF-style: chr13-32914046-GT-G.
Other names: c.5555delT (NM_000059.3).
Identifiers: ClinVar variation 141788 (VCV000141788.21), dbSNP rs587782011, ClinGen allele CA022568.